The following is an entry in ClinVar:

NM_000807.4(GABRA2):c.1131T>A (p.Asn377Lys)

Gene: GABRA2 (gamma-aminobutyric acid type A receptor subunit alpha2; minus strand). Cytogenetic location: 4p12.
Variant type: single nucleotide variant.
Coding change: c.1131T>A on transcript NM_000807.4 (MANE Select); coding-DNA position 1131, T replaced by A.
Protein change: p.Asn377Lys; replaces asparagine 377 with lysine.
Molecular consequence: missense variant.
Genome position (GRCh38, 1-based): chr4:46,250,533, A>T on the plus strand (T>A on the coding strand, the complement: GABRA2 is on the minus strand). VCF-style: chr4-46250533-A-T. GRCh37 (hg19) VCF-style: chr4-46252550-A-T.
Other names: c.1131T>A, p.Asn377Lys (NM_001114175.3, NM_001377146.1, NM_001377147.1 and 4 more transcripts); c.1146T>A, p.Asn382Lys (NM_001286827.3); c.1311T>A, p.Asn437Lys (NM_001330690.2, NM_001377144.1, NM_001377145.1); c.966T>A, p.Asn322Lys (NM_001377152.1, NM_001377153.1, NM_001377154.1); short protein forms N322K, N377K, N382K, N437K.
Identifiers: ClinVar variation 1970913 (VCV001970913.5), dbSNP rs200515415, ClinGen allele CA2906558.

ClinVar aggregate classification (germline): Uncertain significance (1 of 4 stars; one submission).

Allele frequency attached by ClinVar (database versions not stated): ExAC 0.00002; gnomAD 0.00007; TOPMed 0.00009; ESP Exome Variant Server 0.00015.
gnomAD v4.1: 34 of 1,611,578 alleles (0.0021%); highest among the groups gnomAD compares: African/African-American, 0.04%; no homozygotes.

Submission:

Labcorp Genetics (formerly Invitae), Labcorp
Classification: Uncertain significance. Last evaluated: 2025-04-09. Review status: criteria provided, single submitter. Criteria: Invitae Variant Classification Sherloc (09022015). Collection method: clinical testing. Allele origin: germline.
Comment: This sequence change replaces asparagine, which is neutral and polar, with lysine, which is basic and polar, at codon 437 of the GABRA2 protein (p.Asn437Lys). This variant is present in population databases (rs200515415, gnomAD 0.03%). This missense change has been observed in individual(s) with epilepsy (PMID: 29961870). This variant is also known as p.N377K. ClinVar contains an entry for this variant (Variation ID: 1970913). Experimental studies and prediction algorithms are not available or were not evaluated, and the functional significance of this variant is currently unknown. In summary, the available evidence is currently insufficient to determine the role of this variant in disease. Therefore, it has been classified as a Variant of Uncertain Significance.

Literature cited by the submitters: PubMed 29961870.